The following is an entry in ClinVar:

NM_170707.4(LMNA):c.902_905dup (p.Ser303fs)

Gene: LMNA (lamin A/C; plus strand). Cytogenetic location: 1q22.
Variant type: Duplication.
Coding change: c.902_905dup on transcript NM_170707.4 (MANE Select); coding-DNA positions 902 to 905, 4 bases duplicated (GCCT; older notation c.902_905dupGCCT).
Protein change: p.Ser303fs; shifts the reading frame from serine 303.
Molecular consequence: frameshift variant.
Genome position (GRCh38, 1-based): chr1:156,135,278-156,135,281, GCCT duplicated. VCF-style (leftmost placement, unchanged base first): chr1-156135277-A-AGCCT. GRCh37 (hg19) VCF-style: chr1-156105068-A-AGCCT.
Other names: c.344_347dup, p.Ser117fs (NM_001407002.1, NM_001407003.1, NM_001406990.1 and 4 more transcripts); c.902_905dup, p.Ser303fs (NM_005572.4, NM_170708.4, NM_001282625.2 and 6 more transcripts); c.566_569dup, p.Ser191fs (NM_001257374.3, NM_001406989.1, NM_001406998.1); c.659_662dup, p.Ser222fs (NM_001282624.2, NM_001406986.1, NM_001406987.1); c.605_608dup, p.Ser204fs (NM_001406988.1); c.238_241dup, p.Ser81fs (NM_001406994.1, NM_001406999.1, NM_001407000.1 and 1 more transcripts); short protein forms S117fs, S303fs, S204fs, S81fs, S191fs, S222fs.
Identifiers: ClinVar variation 2843396 (VCV002843396.3), dbSNP rs2527980984, ClinGen allele CA2739275315.

ClinVar aggregate classification (germline): Pathogenic (1 of 4 stars; one submission).

Conditions:
Charcot-Marie-Tooth disease type 2. Also called: Charcot-Marie-Tooth type 2. Identifiers: Orphanet 64746, MedGen C0270914, MONDO:0018993.

Submission:

Labcorp Genetics (formerly Invitae), Labcorp
Classification: Pathogenic for Charcot-Marie-Tooth disease type 2. Last evaluated: 2023-03-07. Review status: criteria provided, single submitter. Criteria: Invitae Variant Classification Sherloc (09022015). Collection method: clinical testing. Allele origin: germline.
Comment: For these reasons, this variant has been classified as Pathogenic. This variant has not been reported in the literature in individuals affected with LMNA-related conditions. This variant is not present in population databases (gnomAD no frequency). This sequence change creates a premature translational stop signal (p.Ser303Profs*29) in the LMNA gene. It is expected to result in an absent or disrupted protein product. Loss-of-function variants in LMNA are known to be pathogenic (PMID: 18585512, 18926329).

Literature cited by the submitters: PubMed 18585512; PubMed 18926329.